The following is an entry in ClinVar:

NM_004525.3(LRP2):c.4271del (p.Asp1424fs)

Gene: LRP2 (LDL receptor related protein 2; minus strand). Cytogenetic location: 2q31.1.
Variant type: Deletion.
Coding change: c.4271del on transcript NM_004525.3 (MANE Select); coding-DNA position 4271, one base deleted (A; older notation c.4271delA).
Protein change: p.Asp1424fs; shifts the reading frame from aspartic acid 1424.
Molecular consequence: frameshift variant.
Genome position (GRCh38, 1-based): chr2:169,239,550, T deleted on the plus strand (A on the coding strand, the reverse complement: LRP2 is on the minus strand). VCF-style (leftmost placement, unchanged base first): chr2-169239549-AT-A. GRCh37 (hg19) VCF-style: chr2-170096059-AT-A.
Other names: short protein forms D1424fs.
Identifiers: ClinVar variation 2853512 (VCV002853512.3), dbSNP rs2528367903, ClinGen allele CA2739271577.

ClinVar aggregate classification (germline): Pathogenic (1 of 4 stars; one submission).

Submission:

Labcorp Genetics (formerly Invitae), Labcorp
Classification: Pathogenic. Last evaluated: 2023-04-08. Review status: criteria provided, single submitter. Criteria: Invitae Variant Classification Sherloc (09022015). Collection method: clinical testing. Allele origin: germline.
Comment: This sequence change creates a premature translational stop signal (p.Asp1424Valfs*46) in the LRP2 gene. It is expected to result in an absent or disrupted protein product. Loss-of-function variants in LRP2 are known to be pathogenic (PMID: 17632512, 25682901). This variant is not present in population databases (gnomAD no frequency). This variant has not been reported in the literature in individuals affected with LRP2-related conditions. For these reasons, this variant has been classified as Pathogenic.

Literature cited by the submitters: PubMed 17632512; PubMed 25682901.